The following is an entry in ClinVar:

ClinVar aggregate classification (germline): Uncertain significance (1 of 4 stars; one submission).

Submission:

GeneDx
Classification: Uncertain significance. Last evaluated: 2025-07-26. Review status: criteria provided, single submitter. Criteria: GeneDx Variant Classification Process June 2021. Collection method: clinical testing. Allele origin: germline.
Comment: Not observed at significant frequency in large population cohorts (gnomAD); In silico analysis supports that this missense variant has a deleterious effect on protein structure/function; Has not been previously published as pathogenic or benign to our knowledge

NM_001829.4(CLCN3):c.1471C>A (p.Pro491Thr)

Gene: CLCN3 (Cl-/H+ antiporter 3; plus strand). Cytogenetic location: 4q33.
Variant type: single nucleotide variant.
Coding change: c.1471C>A on transcript NM_001829.4 (MANE Select); coding-DNA position 1471, C replaced by A.
Protein change: p.Pro491Thr; replaces proline 491 with threonine.
Molecular consequence: missense variant.
Genome position (GRCh38, 1-based): chr4:169,697,642, C>A. VCF-style: chr4-169697642-C-A. GRCh37 (hg19) VCF-style: chr4-170618793-C-A.
Other names: c.1390C>A, p.Pro464Thr (NM_001243372.2, NM_001243374.2); c.1471C>A, p.Pro491Thr (NM_173872.4); short protein forms P464T, P491T.
Identifiers: ClinVar variation 2446197 (VCV002446197.2), dbSNP rs2477059330, ClinGen allele CA358740048.